The following is an entry in ClinVar:

ClinVar aggregate classification (germline): Uncertain significance (1 of 4 stars; one submission).

Conditions:
ATP1A2-related disorder. Also called: ATP1A2-related condition; ATP1A2-RELATED DISORDERS.

Submission:

PreventionGenetics, part of Exact Sciences
Classification: Uncertain significance for ATP1A2-related condition. Last evaluated: 2025-02-07. Review status: criteria provided, single submitter. Criteria: ACMG Guidelines, 2015. Collection method: clinical testing. Allele origin: germline.
Comment: The ATP1A2 c.2439+3G>C variant is predicted to interfere with splicing. To our knowledge, this variant has not been reported in the literature or in a large population database (gnomAD), indicating this variant is rare. This variant is predicted to diminish the strength of the canonical splice donor site according to available splicing prediction programs (SpliceAI, Jaganathan et al. 2019. PubMed ID: 30661751); however, such programs are not equivalent to functional evidence. At this time, the clinical significance of this variant is uncertain due to the absence of conclusive functional and genetic evidence.

NM_000702.4(ATP1A2):c.2439+3G>C

Gene: ATP1A2 (ATPase Na+/K+ transporting subunit alpha 2; plus strand). Cytogenetic location: 1q23.2.
Variant type: single nucleotide variant.
Coding change: c.2439+3G>C on transcript NM_000702.4 (MANE Select); 3 bases into the intron after coding-DNA position 2439, G replaced by C.
Molecular consequence: intron variant.
Genome position (GRCh38, 1-based): chr1:160,135,996, G>C. VCF-style: chr1-160135996-G-C. GRCh37 (hg19) VCF-style: chr1-160105786-G-C.
Identifiers: ClinVar variation 2633258 (VCV002633258.2), dbSNP rs2524888731, ClinGen allele CA2695199897.